The following is an entry in ClinVar:

NM_001171.6(ABCC6):c.3106_3108del (p.Phe1036del)

Gene: ABCC6 (ATP binding cassette subfamily C member 6; minus strand). Cytogenetic location: 16p13.11.
Variant type: Deletion.
Coding change: c.3106_3108del on transcript NM_001171.6 (MANE Select); coding-DNA positions 3106 to 3108, 3 bases deleted (TTT; older notation c.3106_3108delTTT).
Protein change: p.Phe1036del; deletes phenylalanine 1036.
Molecular consequence: inframe deletion. On other transcripts: non-coding transcript variant (1).
Genome position (GRCh38, 1-based): chr16:16,165,821-16,165,823, AAA deleted on the plus strand (TTT on the coding strand, the reverse complement: ABCC6 is on the minus strand). VCF-style (leftmost placement, unchanged base first): chr16-16165820-CAAA-C. GRCh37 (hg19) VCF-style: chr16-16259677-CAAA-C.
Other names: c.2764_2766del, p.Phe922del (NM_001351800.1); c.3106_3108delTTT (NM_001171.5); short protein forms F1036del, F922del.
Identifiers: ClinVar variation 433416 (VCV000433416.11), dbSNP rs72664230, ClinGen allele CA7925687.

ClinVar aggregate classification (germline): Uncertain significance. Review status: criteria provided, multiple submitters, no conflicts (2 of 4 stars). 3 submissions from 3 submitters: Uncertain significance (2). 1 of the submissions does not count toward it. Last evaluated 2024-04-23.

Conditions:
Arterial calcification, generalized, of infancy, 2. Identifiers: Orphanet 51608, MedGen C3276161, MONDO:0013768, OMIM 614473.
Autosomal recessive inherited pseudoxanthoma elasticum (PXE). Identifiers: Orphanet 758, MedGen CN032334, MONDO:0009925, OMIM 264800.
Pseudoxanthoma elasticum, forme fruste. Also called: Pseudoxanthoma Elasticum, Incomplete; PSEUDOXANTHOMA ELASTICUM, HETEROZYGOUS. Identifiers: Orphanet 758, MedGen C1867450, MONDO:0008333, OMIM 177850.

Allele frequency attached by ClinVar (database versions not stated): gnomAD exomes 0.00001 and 0.00003; ExAC 0.00002.

Submissions (3):

Labcorp Genetics (formerly Invitae), Labcorp
Classification: Uncertain significance. Last evaluated: 2024-04-23. Review status: criteria provided, single submitter. Criteria: Invitae Variant Classification Sherloc (09022015). Collection method: clinical testing. Allele origin: germline.
Comment: This variant, c.3106_3108del, results in the deletion of 1 amino acid(s) of the ABCC6 protein (p.Phe1036del), but otherwise preserves the integrity of the reading frame. This variant is present in population databases (rs72664230, gnomAD 0.02%). This variant has been observed in individuals with generalized arterial calcification of infancy (GACI) and/or pseudoxanthoma elasticum (PMID: 16086317, 22209248). ClinVar contains an entry for this variant (Variation ID: 433416). Experimental studies and prediction algorithms are not available or were not evaluated, and the functional significance of this variant is currently unknown. This variant disrupts a region of the ABCC6 protein in which other variant(s) (p.Phe1036Ser) have been observed in individuals with ABCC6-related conditions (PMID: 28186352). This suggests that this is a clinically significant region of the protein, and that variants that disrupt it are likely to be disease-causing. In summary, the available evidence is currently insufficient to determine the role of this variant in disease. Therefore, it has been classified as a Variant of Uncertain Significance.

Fulgent Genetics
Classification: Uncertain significance for Pseudoxanthoma elasticum, forme fruste; Autosomal recessive inherited pseudoxanthoma elasticum; Arterial calcification, generalized, of infancy, 2. Last evaluated: 2022-04-05. Review status: criteria provided, single submitter. Criteria: ACMG Guidelines, 2015. Collection method: clinical testing. Allele origin: unknown.

PXE International
Classification: Uncertain significance for Autosomal recessive inherited pseudoxanthoma elasticum. Last evaluated: 2021-02-16. Review status: no assertion criteria provided. Collection method: research. Allele origin: germline. Inheritance: Autosomal recessive inheritance. Affected: yes. Not counted in ClinVar's aggregate classification.

Literature cited by the submitters: PubMed 16086317 (cited by Labcorp Genetics (formerly Invitae), Labcorp and PXE International); PubMed 22209248 (cited by Labcorp Genetics (formerly Invitae), Labcorp); PubMed 28186352 (cited by Labcorp Genetics (formerly Invitae), Labcorp).